The following is an entry in ClinVar:

ClinVar aggregate classification (germline): Uncertain significance (1 of 4 stars; one submission).

Conditions:
Long QT syndrome (LQTS). Identifiers: MedGen C0023976, MeSH D008133, MONDO:0002442. Disease mechanism: loss of function. Inheritance: Various modes of inheritance.

Allele frequency attached by ClinVar (database versions not stated): ExAC 0.00001; TOPMed 0.00001; ESP Exome Variant Server 0.00008.

Submission:

Labcorp Genetics (formerly Invitae), Labcorp
Classification: Uncertain significance for Long QT syndrome. Last evaluated: 2023-10-23. Review status: criteria provided, single submitter. Criteria: Invitae Variant Classification Sherloc (09022015). Collection method: clinical testing. Allele origin: germline.
Comment: This sequence change replaces serine, which is neutral and polar, with arginine, which is basic and polar, at codon 3010 of the ANK2 protein (p.Ser3010Arg). This variant is present in population databases (rs369351766, gnomAD 0.007%). This variant has not been reported in the literature in individuals affected with ANK2-related conditions. Algorithms developed to predict the effect of missense changes on protein structure and function output the following: SIFT: "Not Available"; PolyPhen-2: "Benign"; Align-GVGD: "Not Available". The arginine amino acid residue is found in multiple mammalian species, which suggests that this missense change does not adversely affect protein function. In summary, the available evidence is currently insufficient to determine the role of this variant in disease. Therefore, it has been classified as a Variant of Uncertain Significance.

NM_001148.6(ANK2):c.9028A>C (p.Ser3010Arg)

Gene: ANK2 (ankyrin 2; plus strand). Cytogenetic location: 4q26.
Variant type: single nucleotide variant.
Coding change: c.9028A>C on transcript NM_001148.6 (MANE Select); coding-DNA position 9028, A replaced by C.
Protein change: p.Ser3010Arg; replaces serine 3010 with arginine.
Molecular consequence: missense variant. On other transcripts: intron variant (68).
Genome position (GRCh38, 1-based): chr4:113,357,646, A>C. VCF-style: chr4-113357646-A-C. GRCh37 (hg19) VCF-style: chr4-114278802-A-C.
Other names: c.8794A>C, p.Ser2932Arg (NM_001386142.1); c.5428A>C, p.Ser1810Arg (NM_001386166.1); c.9169A>C, p.Ser3057Arg (NM_001386174.1); c.9145A>C, p.Ser3049Arg (NM_001386175.1); c.4412-3177A>C (NM_001386186.2, NM_001386148.2); c.4214-3177A>C (NM_001354269.3); c.4292-3177A>C (NM_001386187.2); c.4253-3177A>C (NM_001386147.1); and 35 more; short protein forms S2932R, S1810R, S3010R, S3049R, S3057R.
Identifiers: ClinVar variation 2771441 (VCV002771441.3), dbSNP rs369351766, ClinGen allele CA3051863.